The following is an entry in ClinVar:

NM_018012.4(KIF26B):c.1264G>A (p.Gly422Arg)

Gene: KIF26B (kinesin family member 26B; plus strand). Cytogenetic location: 1q44.
Variant type: single nucleotide variant.
Coding change: c.1264G>A on transcript NM_018012.4 (MANE Select); coding-DNA position 1264, G replaced by A.
Protein change: p.Gly422Arg; replaces glycine 422 with arginine.
Molecular consequence: missense variant.
Genome position (GRCh38, 1-based): chr1:245,540,864, G>A. VCF-style: chr1-245540864-G-A. GRCh37 (hg19) VCF-style: chr1-245704166-G-A.
Other names: short protein forms G422R.
Identifiers: ClinVar variation 3032676 (VCV003032676.2), dbSNP rs2527914792, ClinGen allele CA345500587.

ClinVar aggregate classification (germline): Uncertain significance (0 of 4 stars; one submission).

Conditions:
KIF26B-related disorder. Also called: KIF26B-related condition.

Submission:

PreventionGenetics, part of Exact Sciences
Classification: Uncertain significance for KIF26B-related condition. Last evaluated: 2023-12-14. Review status: no assertion criteria provided. Collection method: clinical testing. Allele origin: germline.
Comment: The KIF26B c.1264G>A variant is predicted to result in the amino acid substitution p.Gly422Arg. To our knowledge, this variant has not been reported in the literature or in a large population database, indicating this variant is rare. At this time, the clinical significance of this variant is uncertain due to the absence of conclusive functional and genetic evidence.